The following is an entry in ClinVar:

ClinVar aggregate classification (germline): Likely benign. Review status: criteria provided, multiple submitters, no conflicts (2 of 4 stars). 6 submissions from 6 submitters: Likely benign (5). 1 of the submissions does not count toward it. Last evaluated 2026-08-01.

Conditions:
CBL-related disorder. Also called: NOONAN SYNDROME-LIKE DISORDER WITHOUT JUVENILE MYELOMONOCYTIC LEUKEMIA; CBL MUTATION-ASSOCIATED SYNDROME; CBL SYNDROME. Identifiers: Orphanet 363972, MedGen C3150803, MONDO:0013308, OMIM 613563.
RASopathy. Also called: rasopathies; Noonan spectrum disorder. Identifiers: Orphanet 536391, MedGen C5555857, MONDO:0021060.
Cardiovascular phenotype. Identifiers: MedGen CN230736.

Allele frequency attached by ClinVar (database versions not stated): ExAC 0.00005; ESP Exome Variant Server 0.00008; gnomAD 0.00008 and 0.00009; TOPMed 0.00009.
gnomAD v4.1: 54 of 1,613,966 alleles (0.0033%); highest among the groups gnomAD compares: African/African-American, 0.02%; no homozygotes.

Submissions (6):

CeGaT Center for Human Genetics Tuebingen
Classification: Likely benign. Last evaluated: 2026-08-01. Review status: criteria provided, single submitter. Criteria: CeGaT Center For Human Genetics Tuebingen Variant Classification Criteria Version 2. Collection method: clinical testing. Allele origin: germline. Affected: yes. Observed: 1 variant allele.
Comment: CBL: BP4, BP7

Labcorp Genetics (formerly Invitae), Labcorp
Classification: Likely benign for RASopathy. Last evaluated: 2026-01-12. Review status: criteria provided, single submitter. Criteria: Invitae Variant Classification Sherloc (09022015). Collection method: clinical testing. Allele origin: germline.

Blueprint Genetics
Classification: Likely benign. Last evaluated: 2024-08-28. Review status: criteria provided, single submitter. Criteria: ACMG Guidelines, 2015. Collection method: clinical testing. Allele origin: germline.

Women's Health and Genetics/Laboratory Corporation of America, LabCorp
Classification: Likely benign. Last evaluated: 2021-06-27. Review status: criteria provided, single submitter. Criteria: LabCorp Variant Classification Summary - May 2015. Collection method: clinical testing. Allele origin: germline.

Ambry Genetics
Classification: Likely benign for Cardiovascular phenotype. Last evaluated: 2020-03-17. Review status: criteria provided, single submitter. Criteria: Ambry Variant Classification Scheme 2023. Collection method: clinical testing. Allele origin: germline.

PreventionGenetics, part of Exact Sciences
Classification: Likely benign for CBL-related condition. Last evaluated: 2023-01-29. Review status: no assertion criteria provided. Collection method: clinical testing. Allele origin: germline. Not counted in ClinVar's aggregate classification.
Comment: This variant is classified as likely benign based on ACMG/AMP sequence variant interpretation guidelines (Richards et al. 2015 PMID: 25741868, with internal and published modifications).

NM_005188.4(CBL):c.2268C>T (p.Ala756=)

Gene: CBL (Cbl proto-oncogene; plus strand). Cytogenetic location: 11q23.3.
Variant type: single nucleotide variant.
Coding change: c.2268C>T on transcript NM_005188.4 (MANE Select); coding-DNA position 2268, C replaced by T.
Protein change: p.Ala756=; no amino-acid change (alanine 756 retained).
Molecular consequence: synonymous variant.
Genome position (GRCh38, 1-based): chr11:119,298,374, C>T. VCF-style: chr11-119298374-C-T. GRCh37 (hg19) VCF-style: chr11-119169084-C-T.
Identifiers: ClinVar variation 696499 (VCV000696499.17), dbSNP rs142564074, ClinGen allele CA6318740.